The following is an entry in ClinVar:

ClinVar aggregate classification (germline): Uncertain significance (1 of 4 stars; one submission).

Submission:

Labcorp Genetics (formerly Invitae), Labcorp
Classification: Uncertain significance. Last evaluated: 2021-11-24. Review status: criteria provided, single submitter. Criteria: Invitae Variant Classification Sherloc (09022015). Collection method: clinical testing. Allele origin: germline.
Comment: Algorithms developed to predict the effect of missense changes on protein structure and function are either unavailable or do not agree on the potential impact of this missense change (SIFT: "Tolerated"; PolyPhen-2: "Probably Damaging"; Align-GVGD: "Class C0"). This variant has not been reported in the literature in individuals affected with CAPN1-related conditions. This variant is not present in population databases (gnomAD no frequency). This sequence change replaces tryptophan, which is neutral and slightly polar, with glycine, which is neutral and non-polar, at codon 303 of the CAPN1 protein (p.Trp303Gly). In summary, the available evidence is currently insufficient to determine the role of this variant in disease. Therefore, it has been classified as a Variant of Uncertain Significance.

NM_005186.4(CAPN1):c.907T>G (p.Trp303Gly)

Gene: CAPN1 (calpain 1; plus strand). Cytogenetic location: 11q13.1.
Variant type: single nucleotide variant.
Coding change: c.907T>G on transcript NM_005186.4 (MANE Select); coding-DNA position 907, T replaced by G.
Protein change: p.Trp303Gly; replaces tryptophan 303 with glycine.
Molecular consequence: missense variant. On other transcripts: non-coding transcript variant (1).
Genome position (GRCh38, 1-based): chr11:65,188,018, T>G. VCF-style: chr11-65188018-T-G. GRCh37 (hg19) VCF-style: chr11-64955489-T-G.
Other names: c.907T>G, p.Trp303Gly (NM_001198868.2, NM_001198869.2); c.745T>G, p.Trp249Gly (NM_001198870.1); short protein forms W249G, W303G.
Identifiers: ClinVar variation 2135426 (VCV002135426.4), dbSNP rs1590851192, ClinGen allele CA381247247.